The following is an entry in ClinVar:

NM_025137.4(SPG11):c.98T>C (p.Val33Ala)

Gene: SPG11 (SPG11 vesicle trafficking associated, spatacsin; minus strand). Cytogenetic location: 15q21.1.
Variant type: single nucleotide variant.
Coding change: c.98T>C on transcript NM_025137.4 (MANE Select); coding-DNA position 98, T replaced by C.
Protein change: p.Val33Ala; replaces valine 33 with alanine.
Molecular consequence: missense variant.
Genome position (GRCh38, 1-based): chr15:44,663,550, A>G on the plus strand (T>C on the coding strand, the complement: SPG11 is on the minus strand). VCF-style: chr15-44663550-A-G. GRCh37 (hg19) VCF-style: chr15-44955748-A-G.
Other names: c.98T>C, p.Val33Ala (NM_001160227.2); short protein forms V33A.
Identifiers: ClinVar variation 466571 (VCV000466571.8), dbSNP rs1555384018, ClinGen allele CA392238786.

ClinVar aggregate classification (germline): Uncertain significance (1 of 4 stars; one submission).

Conditions:
Hereditary spastic paraplegia 11. Also called: SPASTIC PARAPLEGIA, AUTOSOMAL RECESSIVE, COMPLICATED, WITH THIN CORPUS CALLOSUM; SPASTIC PARAPLEGIA, AUTOSOMAL RECESSIVE, WITH MENTAL IMPAIRMENT AND THIN CORPUS CALLOSUM; Nakamura Osame syndrome; Autosomal recessive hereditary spastic paraplegia, mental impairment, and thin corpus callosum; Spastic paraplegia, mental retardation and thin corpus callosum; Spastic Paraplegia 11. Identifiers: Orphanet 2822, MedGen C1858479, MONDO:0011445, OMIM 604360.

Submission:

Labcorp Genetics (formerly Invitae), Labcorp
Classification: Uncertain significance for Hereditary spastic paraplegia 11. Last evaluated: 2017-05-31. Review status: criteria provided, single submitter. Criteria: Invitae Variant Classification Sherloc (09022015). Collection method: clinical testing. Allele origin: germline.
Comment: This sequence change replaces valine with alanine at codon 33 of the SPG11 protein (p.Val33Ala). The valine residue is moderately conserved and there is a small physicochemical difference between valine and alanine. This variant is not present in population databases (ExAC no frequency). This variant has not been reported in the literature in individuals with an SPG11-related disease. Algorithms developed to predict the effect of missense changes on protein structure and function (SIFT, PolyPhen-2, Align-GVGD) all suggest that this variant is likely to be tolerated, but these predictions have not been confirmed by published functional studies and their clinical significance is uncertain. In summary, this variant has uncertain impact on SPG11 function. The available evidence is currently insufficient to determine its role in disease. Therefore, it has been classified as a Variant of Uncertain Significance.